The following is an entry in ClinVar:

NM_000282.4(PCCA):c.955C>T (p.Gln319Ter)

Gene: PCCA (propionyl-CoA carboxylase subunit alpha; plus strand). Cytogenetic location: 13q32.3.
Variant type: single nucleotide variant.
Coding change: c.955C>T on transcript NM_000282.4 (MANE Select); coding-DNA position 955, C replaced by T.
Protein change: p.Gln319Ter; replaces glutamine 319 with a stop codon.
Molecular consequence: nonsense. On other transcripts: non-coding transcript variant (5).
Genome position (GRCh38, 1-based): chr13:100,273,236, C>T. VCF-style: chr13-100273236-C-T. GRCh37 (hg19) VCF-style: chr13-100925490-C-T.
Other names: c.877C>T, p.Gln293Ter (NM_001127692.3, NM_001352607.2, NM_001352608.2); c.955C>T, p.Gln319Ter (NM_001178004.2, NM_001352605.2, NM_001352606.2 and 1 more transcripts); c.10C>T, p.Gln4Ter (NM_001352610.2, NM_001352611.2, NM_001352612.2); c.955C>T (NM_000282.3); short protein forms Q293*, Q319*, Q4*.
Identifiers: ClinVar variation 2677502 (VCV002677502.3), dbSNP rs750840362, ClinGen allele CA388694754.

ClinVar aggregate classification (germline): Pathogenic. Review status: criteria provided, multiple submitters, no conflicts (2 of 4 stars). 3 submissions from 3 submitters: Pathogenic (3). Last evaluated 2025-11-14.

Conditions:
Propionic acidemia (PROP). Also called: GLYCINEMIA, KETOTIC; HYPERGLYCINEMIA WITH KETOACIDOSIS AND LEUKOPENIA; KETOTIC HYPERGLYCINEMIA. Identifiers: Orphanet 35, MedGen C0268579, MONDO:0011628, OMIM 606054, HP:0003571.

Submissions (3):

Natera, Inc.
Classification: Pathogenic for Propionic acidemia. Last evaluated: 2025-11-14. Review status: criteria provided, single submitter. Criteria: Natera Variant Classification Schema (03/2026). Collection method: clinical testing. Allele origin: germline.
Comment: The c.955C>T variant in PCCA is a nonsense variant predicted to introduce a stop codon at amino acid 319. This variant is expected to result in nonsense mediated decay, truncation, or a dysfunctional protein product. This variant is rare in the general population with a frequency below the threshold expected for the associated phenotype(s). This variant has been observed in one or more individuals affected with the associated recessive disease, as either homozygous or compound heterozygous with a second variant (PMID: 30705822). Given the available evidence, this variant is classified as Pathogenic.

Fulgent Genetics
Classification: Pathogenic for Propionic acidemia. Last evaluated: 2024-03-18. Review status: criteria provided, single submitter. Criteria: ACMG Guidelines, 2015. Collection method: clinical testing. Allele origin: germline.

Baylor Genetics
Classification: Pathogenic for Propionic acidemia. Last evaluated: 2023-04-30. Review status: criteria provided, single submitter. Criteria: ACMG Guidelines, 2015. Collection method: clinical testing. Allele origin: unknown.

Literature cited by the submitters: PubMed 30705822 (cited by Natera, Inc.).